The following is an entry in ClinVar:

NM_001378452.1(ITPR1):c.4250G>A (p.Arg1417His)

Gene: ITPR1 (inositol 1,4,5-trisphosphate receptor type 1; plus strand). Cytogenetic location: 3p26.1.
Variant type: single nucleotide variant.
Coding change: c.4250G>A on transcript NM_001378452.1 (MANE Select); coding-DNA position 4250, G replaced by A.
Protein change: p.Arg1417His; replaces arginine 1417 with histidine.
Molecular consequence: missense variant.
Genome position (GRCh38, 1-based): chr3:4,693,710, G>A. VCF-style: chr3-4693710-G-A. GRCh37 (hg19) VCF-style: chr3-4735394-G-A.
Other names: c.4223G>A, p.Arg1408His (NM_001099952.4); c.4205G>A, p.Arg1402His (NM_001168272.2); c.4178G>A, p.Arg1393His (NM_002222.7); short protein forms R1393H, R1402H, R1408H, R1417H.
Identifiers: ClinVar variation 1313765 (VCV001313765.4), dbSNP rs766019080, ClinGen allele CA2231919.
Genomic context (GRCh38, chr3:4,693,710, plus strand): 5'-GTAAGAATGTCTACACAGAGATCAAGTGCAACTCCCTGCTCCCGCTGGATGACATCGTTC[G>A]CGTGGTGACCCACGAGGACTGCATCCCTGAGGTGAGCGAGCCCAGCCTGGCTGTGCCCTT-3'
Protein context (NP_001365381.1, residues 1407-1427): NSLLPLDDIV[Arg1417His]VVTHEDCIPE

ClinVar aggregate classification (germline): Uncertain significance. Review status: criteria provided, multiple submitters, no conflicts (2 of 4 stars). 3 submissions from 3 submitters: Uncertain significance (3). Last evaluated 2026-01-05.

Conditions:
Inborn genetic diseases. Identifiers: MedGen C0950123, MeSH D030342.
ITPR1-related disorder. Also called: ITPR1-related condition.

Allele frequency attached by ClinVar (database versions not stated): TOPMed below 0.00001; ExAC 0.00001; gnomAD 0.00001; gnomAD exomes 0.00001 and 0.00002.
gnomAD v4.1: 10 of 1,613,446 alleles (0.00062%); highest among the groups gnomAD compares: Admixed American, 0.01%; no homozygotes.

Submissions (3):

Ambry Genetics
Classification: Uncertain significance for Inborn genetic diseases. Last evaluated: 2026-01-05. Review status: criteria provided, single submitter. Criteria: Ambry Variant Classification Scheme 2023. Collection method: clinical testing. Allele origin: germline.
Comment: The c.4178G>A (p.R1393H) alteration is located in exon 32 (coding exon 30) of the ITPR1 gene. This alteration results from a G to A substitution at nucleotide position 4178, causing the arginine (R) at amino acid position 1393 to be replaced by a histidine (H). Based on data from gnomAD, the A allele has an overall frequency of 0.002% (4/248056) total alleles studied. The highest observed frequency was 0.012% (4/34302) of Latino alleles. Based on insufficient or conflicting evidence, the clinical significance of this alteration remains unclear.

PreventionGenetics, part of Exact Sciences
Classification: Uncertain significance for ITPR1-related condition. Last evaluated: 2022-11-22. Review status: criteria provided, single submitter. Criteria: ACMG Guidelines, 2015. Collection method: clinical testing. Allele origin: germline.
Comment: The ITPR1 c.4178G>A variant is predicted to result in the amino acid substitution p.Arg1393His. To our knowledge, this variant has not been reported in the literature. This variant is reported in 0.012% of alleles in individuals of Latino descent in gnomAD. An alternate missense change at the same amino acid position has been reported as a variant of uncertain significance in a patient with Peters' anomaly, but no additional studies confirmed its pathogenicity (Chesneau et al. 2022. PubMed ID: 35170016, alternate nomenclature NM_001099952.2:c.4222C>T, p.Arg1408Cys). At this time, the clinical significance of the p.Arg1393His variant is uncertain due to the absence of conclusive functional and genetic evidence.

GeneDx
Classification: Uncertain significance. Last evaluated: 2021-10-20. Review status: criteria provided, single submitter. Criteria: GeneDx Variant Classification Process June 2021. Collection method: clinical testing. Allele origin: germline. Affected: yes.
Comment: In silico analysis supports that this missense variant has a deleterious effect on protein structure/function; Has not been previously published as pathogenic or benign to our knowledge